The following is an entry in ClinVar:

NM_001199107.2(TBC1D24):c.263G>A (p.Ser88Asn)

Gene: TBC1D24 (TBC1 domain family member 24; plus strand). Cytogenetic location: 16p13.3.
Variant type: single nucleotide variant.
Coding change: c.263G>A on transcript NM_001199107.2 (MANE Select); coding-DNA position 263, G replaced by A.
Protein change: p.Ser88Asn; replaces serine 88 with asparagine.
Molecular consequence: missense variant.
Genome position (GRCh38, 1-based): chr16:2,496,411, G>A. VCF-style: chr16-2496411-G-A. GRCh37 (hg19) VCF-style: chr16-2546412-G-A.
Other names: c.263G>A, p.Ser88Asn (NM_020705.3); short protein forms S88N.
Identifiers: ClinVar variation 953220 (VCV000953220.10), dbSNP rs2065739388, ClinGen allele CA394375242.
Genomic context (GRCh38, chr16:2,496,411, plus strand): 5'-CGCCTGACGCCAGCGTGTACAGCGACATCGTGGGCAAGATCGTGGGCAAGCACAGCAGCA[G>A]CTGCCTGCCGCTGCCCGAGTTCGTGGACAACACGCAGGTGCCCAGCTACTGCCTGAATGC-3'
Protein context (NP_001186036.1, residues 78-98): VGKIVGKHSS[Ser88Asn]CLPLPEFVDN

ClinVar aggregate classification (germline): Uncertain significance (1 of 4 stars; one submission).

Conditions:
Developmental and epileptic encephalopathy, 1 (DEE1). Also called: X-linked infantile spasms; West's syndrome; Tonic spasms with clustering, arrest of psychomotor development and hypsarrhythmia on EEG; X-Linked Infantile Spasm Syndrome; OHTAHARA SYNDROME, X-LINKED; Epileptic encephalopathy, early infantile, 1. Identifiers: MedGen C3463992, MONDO:0010632, OMIM 308350. Disease mechanism: loss of function.
Autosomal dominant nonsyndromic hearing loss 65. Also called: Deafness, autosomal dominant 65; TBC1D24-Related Autosomal Dominant Nonsyndromic Hearing Loss (DFNA). Identifiers: Orphanet 90635, MedGen C3892048, MONDO:0014470, OMIM 616044.

Submission:

Labcorp Genetics (formerly Invitae), Labcorp
Classification: Uncertain significance for Developmental and epileptic encephalopathy, 1; Autosomal dominant nonsyndromic hearing loss 65. Last evaluated: 2023-03-08. Review status: criteria provided, single submitter. Criteria: Invitae Variant Classification Sherloc (09022015). Collection method: clinical testing. Allele origin: germline.
Comment: This sequence change replaces serine, which is neutral and polar, with asparagine, which is neutral and polar, at codon 88 of the TBC1D24 protein (p.Ser88Asn). In summary, the available evidence is currently insufficient to determine the role of this variant in disease. Therefore, it has been classified as a Variant of Uncertain Significance. Advanced modeling of protein sequence and biophysical properties (such as structural, functional, and spatial information, amino acid conservation, physicochemical variation, residue mobility, and thermodynamic stability) performed at Invitae indicates that this missense variant is not expected to disrupt TBC1D24 protein function. ClinVar contains an entry for this variant (Variation ID: 953220). This variant has not been reported in the literature in individuals affected with TBC1D24-related conditions. This variant is not present in population databases (gnomAD no frequency).